The following is an entry in ClinVar:

ClinVar aggregate classification (germline): Uncertain significance (1 of 4 stars; one submission).

Conditions:
Hereditary sensory and autonomic neuropathy type 6. Also called: HSAN VI; Neuropathy, hereditary sensory and autonomic, type VI. Identifiers: Orphanet 314381, MedGen C3539003, MONDO:0013839, OMIM 614653.
Epidermolysis bullosa simplex 3, localized or generalized intermediate, with BP230 deficiency (EBS3). Also called: Epidermolysis bullosa simplex due to BP230 deficiency; Epidermolysis bullosa simplex, autosomal recessive 2. Identifiers: Orphanet 412181, MedGen C3809470, MONDO:0014180, OMIM 615425.

Allele frequency attached by ClinVar (database versions not stated): TOPMed below 0.00001; ExAC 0.00002; gnomAD exomes 0.00002.
gnomAD v4.1: 3 of 1,533,274 alleles (0.0002%); highest among the groups gnomAD compares: Admixed American, 0.0063%; no homozygotes.

Submission:

Labcorp Genetics (formerly Invitae), Labcorp
Classification: Uncertain significance for Epidermolysis bullosa simplex 3, localized or generalized intermediate, with BP230 deficiency; Hereditary sensory and autonomic neuropathy type 6. Last evaluated: 2021-05-31. Review status: criteria provided, single submitter. Criteria: Invitae Variant Classification Sherloc (09022015). Collection method: clinical testing. Allele origin: germline.
Comment: In summary, the available evidence is currently insufficient to determine the role of this variant in disease. Therefore, it has been classified as a Variant of Uncertain Significance. Experimental studies and prediction algorithms are not available or were not evaluated, and the functional significance of this variant is currently unknown. This variant has not been reported in the literature in individuals with DST-related conditions. This variant is present in population databases (rs772963258, ExAC 0.02%). This sequence change replaces isoleucine with phenylalanine at codon 1449 of the DST protein (p.Ile1449Phe). The DST gene has multiple clinically relevant transcripts. This variant occurs in alternate transcript NM_015548.4, and corresponds to NM_001723.5:c.*21342A>T in the primary transcript.

NM_001374736.1(DST):c.12214A>T (p.Ile4072Phe)

Gene: DST (dystonin; minus strand). Cytogenetic location: 6p12.1.
Variant type: single nucleotide variant.
Coding change: c.12214A>T on transcript NM_001374736.1 (MANE Select); coding-DNA position 12214, A replaced by T.
Protein change: p.Ile4072Phe; replaces isoleucine 4072 with phenylalanine.
Molecular consequence: missense variant.
Genome position (GRCh38, 1-based): chr6:56,594,175, T>A on the plus strand (A>T on the coding strand, the complement: DST is on the minus strand). VCF-style: chr6-56594175-T-A. GRCh37 (hg19) VCF-style: chr6-56458973-T-A.
Other names: c.5857A>T, p.Ile1953Phe (NM_001144769.5); c.5443A>T, p.Ile1815Phe (NM_001144770.2); c.12214A>T, p.Ile4072Phe (NM_001374722.1); c.11581A>T, p.Ile3861Phe (NM_001374729.1); c.5323A>T, p.Ile1775Phe (NM_001374730.1, NM_001386100.1, NM_183380.4); c.12241A>T, p.Ile4081Phe (NM_001374734.1); c.4345A>T, p.Ile1449Phe (NM_015548.5); short protein forms I1449F, I4081F, I1815F, I1775F, I1953F, I3861F, I4072F.
Identifiers: ClinVar variation 1525089 (VCV001525089.6), dbSNP rs772963258, ClinGen allele CA3868473.